The following is an entry in ClinVar:

NM_004565.3(PEX14):c.849C>T (p.Pro283=)

Gene: PEX14 (peroxisomal biogenesis factor 14; plus strand). Cytogenetic location: 1p36.22.
Variant type: single nucleotide variant.
Coding change: c.849C>T on transcript NM_004565.3 (MANE Select); coding-DNA position 849, C replaced by T.
Protein change: p.Pro283=; no amino-acid change (proline 283 retained).
Molecular consequence: synonymous variant.
Genome position (GRCh38, 1-based): chr1:10,629,702, C>T. VCF-style: chr1-10629702-C-T. GRCh37 (hg19) VCF-style: chr1-10689759-C-T.
Other names: c.849C>T (NM_004565.2).
Identifiers: ClinVar variation 1648496 (VCV001648496.10), dbSNP rs752909373, ClinGen allele CA583980.

ClinVar aggregate classification (germline): Likely benign. Review status: criteria provided, single submitter (1 of 4 stars). 2 submissions from 2 submitters: Likely benign (1). 1 of the submissions does not count toward it. Last evaluated 2025-07-27.

Conditions:
PEX14-related disorder. Also called: PEX14-related condition.
Peroxisome biogenesis disorder, complementation group K (CGK). Identifiers: MedGen C1866257, MONDO:0800365.

Allele frequency attached by ClinVar (database versions not stated): ExAC 0.00001; TOPMed 0.00001; gnomAD exomes 0.00002.
gnomAD v4.1: 13 of 1,611,368 alleles (0.00081%); highest among the groups gnomAD compares: Middle Eastern, 0.033%; no homozygotes.

Submissions (2):

Labcorp Genetics (formerly Invitae), Labcorp
Classification: Likely benign for Peroxisome biogenesis disorder, complementation group K. Last evaluated: 2025-07-27. Review status: criteria provided, single submitter. Criteria: Invitae Variant Classification Sherloc (09022015). Collection method: clinical testing. Allele origin: germline.

PreventionGenetics, part of Exact Sciences
Classification: Likely benign for PEX14-related condition. Last evaluated: 2023-01-17. Review status: no assertion criteria provided. Collection method: clinical testing. Allele origin: germline. Not counted in ClinVar's aggregate classification.
Comment: This variant is classified as likely benign based on ACMG/AMP sequence variant interpretation guidelines (Richards et al. 2015 PMID: 25741868, with internal and published modifications).